The following is an entry in ClinVar:

ClinVar aggregate classification (germline): Uncertain significance. Review status: criteria provided, multiple submitters, no conflicts (2 of 4 stars). 2 submissions from 2 submitters: Uncertain significance (2). Last evaluated 2024-12-06.

Conditions:
Intellectual developmental disorder, X-linked, syndromic, Hedera type. Also called: Syndromic X-linked intellectual disability Hedera type. Identifiers: Orphanet 93952, MedGen C1845543, MONDO:0010319, OMIM 300423.

Allele frequency attached by ClinVar (database versions not stated): ExAC 0.00001; gnomAD exomes below 0.00001 and 0.00001.

Submissions (2):

GeneDx
Classification: Uncertain significance. Last evaluated: 2024-12-06. Review status: criteria provided, single submitter. Criteria: GeneDx Variant Classification Process June 2021. Collection method: clinical testing. Allele origin: germline. Affected: yes.
Comment: In silico analysis indicates that this missense variant does not alter protein structure/function; Has not been previously published as pathogenic or benign to our knowledge

Labcorp Genetics (formerly Invitae), Labcorp
Classification: Uncertain significance for Intellectual developmental disorder, X-linked, syndromic, Hedera type. Last evaluated: 2023-12-07. Review status: criteria provided, single submitter. Criteria: Invitae Variant Classification Sherloc (09022015). Collection method: clinical testing. Allele origin: germline.
Comment: This sequence change replaces valine, which is neutral and non-polar, with leucine, which is neutral and non-polar, at codon 54 of the ATP6AP2 protein (p.Val54Leu). The frequency data for this variant in the population databases is considered unreliable, as metrics indicate poor data quality at this position in the gnomAD database. This variant has not been reported in the literature in individuals affected with ATP6AP2-related conditions. ClinVar contains an entry for this variant (Variation ID: 852040). Advanced modeling of protein sequence and biophysical properties (such as structural, functional, and spatial information, amino acid conservation, physicochemical variation, residue mobility, and thermodynamic stability) has been performed at Invitae for this missense variant, however the output from this modeling did not meet the statistical confidence thresholds required to predict the impact of this variant on ATP6AP2 protein function. In summary, the available evidence is currently insufficient to determine the role of this variant in disease. Therefore, it has been classified as a Variant of Uncertain Significance.

NM_005765.3(ATP6AP2):c.160G>T (p.Val54Leu)

Gene: ATP6AP2 (ATPase H+ transporting accessory protein 2; plus strand). Cytogenetic location: Xp11.4.
Variant type: single nucleotide variant.
Coding change: c.160G>T on transcript NM_005765.3 (MANE Select); coding-DNA position 160, G replaced by T.
Protein change: p.Val54Leu; replaces valine 54 with leucine.
Molecular consequence: missense variant.
Genome position (GRCh38, 1-based): chrX:40,589,108, G>T. VCF-style: chrX-40589108-G-T. GRCh37 (hg19) VCF-style: chrX-40448360-G-T.
Other names: short protein forms V54L.
Identifiers: ClinVar variation 852040 (VCV000852040.11), dbSNP rs767128351, ClinGen allele CA10387166.